The following is an entry in ClinVar:

ClinVar aggregate classification (germline): Uncertain significance. Review status: criteria provided, multiple submitters, no conflicts (2 of 4 stars). 2 submissions from 2 submitters: Uncertain significance (2). Last evaluated 2024-04-23.

Conditions:
Breast-ovarian cancer, familial, susceptibility to, 3. Also called: RAD51C-Related Breast/Ovarian Cancer. Identifiers: Orphanet 145, MedGen C3150659, MONDO:0013253, OMIM 613399.
Fanconi anemia complementation group O. Also called: RAD51C-Related Fanconi Anemia. Identifiers: Orphanet 84, MedGen C3150653, MONDO:0013248, OMIM 613390.
Hereditary cancer-predisposing syndrome. Also called: Neoplastic Syndromes, Hereditary; Tumor predisposition; Hereditary Cancer Syndrome; Hereditary neoplastic syndrome. Identifiers: Orphanet 140162, MedGen C0027672, MeSH D009386, MONDO:0015356.

Submissions (2):

Fulgent Genetics
Classification: Uncertain significance for Fanconi anemia complementation group O; Breast-ovarian cancer, familial, susceptibility to, 3. Last evaluated: 2024-04-23. Review status: criteria provided, single submitter. Criteria: ACMG Guidelines, 2015. Collection method: clinical testing. Allele origin: germline.

Ambry Genetics
Classification: Uncertain significance for Hereditary cancer-predisposing syndrome. Last evaluated: 2021-07-09. Review status: criteria provided, single submitter. Criteria: Ambry Variant Classification Scheme 2023. Collection method: clinical testing. Allele origin: germline.
Comment: The p.D141H variant (also known as c.421G>C), located in coding exon 3 of the RAD51C gene, results from a G to C substitution at nucleotide position 421. The aspartic acid at codon 141 is replaced by histidine, an amino acid with similar properties. This amino acid position is conserved. In addition, the in silico prediction for this alteration is inconclusive. Since supporting evidence is limited at this time, the clinical significance of this alteration remains unclear.

NM_058216.3(RAD51C):c.421G>C (p.Asp141His)

Gene: RAD51C (RAD51 paralog C; plus strand). Cytogenetic location: 17q22.
Variant type: single nucleotide variant.
Coding change: c.421G>C on transcript NM_058216.3 (MANE Select); coding-DNA position 421, G replaced by C.
Protein change: p.Asp141His; replaces aspartic acid 141 with histidine.
Molecular consequence: missense variant.
Genome position (GRCh38, 1-based): chr17:58,696,709, G>C. VCF-style: chr17-58696709-G-C. GRCh37 (hg19) VCF-style: chr17-56774070-G-C.
Other names: short protein forms D141H.
Identifiers: ClinVar variation 1738822 (VCV001738822.3), dbSNP rs587780837, ClinGen allele CA400343853.